The following is an entry in ClinVar:

NM_001178015.2(SLC4A10):c.1443-8del

Gene: SLC4A10 (solute carrier family 4 member 10; plus strand). Cytogenetic location: 2q24.2.
Variant type: Deletion.
Coding change: c.1443-8del on transcript NM_001178015.2 (MANE Select); 8 bases into the intron before coding-DNA position 1443, one base deleted (T; older notation c.1443-8delT).
Molecular consequence: intron variant.
Genome position (GRCh38, 1-based): chr2:161,903,996, T deleted. VCF-style (leftmost placement, unchanged base first): chr2-161903995-CT-C. GRCh37 (hg19) VCF-style: chr2-162760505-CT-C.
Other names: c.1443-8del (NM_001178015.1, NM_001354440.2); c.1479-8del (NM_001354461.2, NM_001354460.2); c.1389-8del (NM_001354447.2, NM_001354443.2); c.1476-8del (NM_001354441.2, NM_001354442.2); c.1386-8del (NM_001178016.2, NM_001354445.2); c.1383-8del (NM_001354448.2); c.774-8del (NM_001354455.2); c.1353-8del (NM_022058.4, NM_001354450.2, NM_001354446.2); and 3 more.
Identifiers: ClinVar variation 711117 (VCV000711117.23), dbSNP rs771107746, ClinGen allele CA1931454.
Genomic context (GRCh38, chr2:161,903,995, plus strand): 5'-AAATGAGCATTTTGACTTGTGTGTTTTTTATATTTGGGTTTCACTATTGTGTTTTCCCCC[CT>C]GTCTTAGGATTTTTGGGGGACTTATTTTAGATATCAAAAGAAAAGCTCCATACTTCTGGA-3'

ClinVar aggregate classification (germline): Benign/Likely benign. Review status: criteria provided, multiple submitters, no conflicts (2 of 4 stars). 3 submissions from 3 submitters: Benign (1); Likely benign (2). Last evaluated 2026-05-01.

Allele frequency attached by ClinVar (database versions not stated): TOPMed 0.00049; gnomAD exomes 0.00062 and 0.00017; gnomAD 0.00017 and 0.00019; ExAC 0.00038.

Submissions (3):

CeGaT Center for Human Genetics Tuebingen
Classification: Likely benign. Last evaluated: 2026-05-01. Review status: criteria provided, single submitter. Criteria: CeGaT Center For Human Genetics Tuebingen Variant Classification Criteria Version 2. Collection method: clinical testing. Allele origin: germline. Affected: yes. Observed: 2 variant alleles.
Comment: SLC4A10: BP4

Athena Diagnostics
Classification: Benign. Last evaluated: 2024-10-22. Review status: criteria provided, single submitter. Criteria: Athena Diagnostics Criteria. Collection method: clinical testing. Allele origin: unknown.

Labcorp Genetics (formerly Invitae), Labcorp
Classification: Likely benign. Last evaluated: 2018-05-24. Review status: criteria provided, single submitter. Criteria: Invitae Variant Classification Sherloc (09022015). Collection method: clinical testing. Allele origin: germline.